The following is an entry in ClinVar:

NM_000465.4(BARD1):c.73G>T (p.Ala25Ser)

Gene: BARD1 (BRCA1 associated RING domain 1; minus strand). Cytogenetic location: 2q35.
Variant type: single nucleotide variant.
Coding change: c.73G>T on transcript NM_000465.4 (MANE Select); coding-DNA position 73, G replaced by T.
Protein change: p.Ala25Ser; replaces alanine 25 with serine.
Molecular consequence: missense variant. On other transcripts: non-coding transcript variant (3).
Genome position (GRCh38, 1-based): chr2:214,809,497, C>A on the plus strand (G>T on the coding strand, the complement: BARD1 is on the minus strand). VCF-style: chr2-214809497-C-A. GRCh37 (hg19) VCF-style: chr2-215674221-C-A.
Other names: c.73G>T, p.Ala25Ser (NM_001282543.2, NM_001282545.2, NM_001282548.2 and 1 more transcripts); short protein forms A25S.
Identifiers: ClinVar variation 3231807 (VCV003231807.1), dbSNP rs751646468, ClinGen allele CA350465155.

ClinVar aggregate classification (germline): Uncertain significance (1 of 4 stars; one submission).

Conditions:
Hereditary cancer-predisposing syndrome. Also called: Neoplastic Syndromes, Hereditary; Tumor predisposition; Hereditary neoplastic syndrome; Hereditary Cancer Syndrome. Identifiers: Orphanet 140162, MedGen C0027672, MeSH D009386, MONDO:0015356.

Submission:

Ambry Genetics
Classification: Uncertain significance for Hereditary cancer-predisposing syndrome. Last evaluated: 2023-12-20. Review status: criteria provided, single submitter. Criteria: Ambry Variant Classification Scheme 2023. Collection method: clinical testing. Allele origin: germline.
Comment: The p.A25S variant (also known as c.73G>T), located in coding exon 1 of the BARD1 gene, results from a G to T substitution at nucleotide position 73. The alanine at codon 25 is replaced by serine, an amino acid with similar properties. This amino acid position is conserved. In addition, this alteration is predicted to be tolerated by in silico analysis. Since supporting evidence is limited at this time, the clinical significance of this alteration remains unclear.